The following is an entry in ClinVar:

ClinVar aggregate classification (germline): Uncertain significance (1 of 4 stars; one submission).

Allele frequency attached by ClinVar (database versions not stated): TOPMed below 0.00001; gnomAD 0.00001.
gnomAD v4.1: 1 of 1,612,644 alleles (0.000062%); highest among the groups gnomAD compares: Non-Finnish European, 0.000085%; no homozygotes.

Submission:

GeneDx
Classification: Uncertain significance. Last evaluated: 2023-06-16. Review status: criteria provided, single submitter. Criteria: GeneDx Variant Classification Process June 2021. Collection method: clinical testing. Allele origin: germline. Affected: yes.
Comment: Not observed at significant frequency in large population cohorts (gnomAD); In silico analysis supports that this missense variant does not alter protein structure/function; Has not been previously published as pathogenic or benign to our knowledge

NM_030632.3(ASXL3):c.911C>A (p.Thr304Asn)

Gene: ASXL3 (ASXL transcriptional regulator 3; plus strand). Cytogenetic location: 18q12.1.
Variant type: single nucleotide variant.
Coding change: c.911C>A on transcript NM_030632.3 (MANE Select); coding-DNA position 911, C replaced by A.
Protein change: p.Thr304Asn; replaces threonine 304 with asparagine.
Molecular consequence: missense variant.
Genome position (GRCh38, 1-based): chr18:33,731,999, C>A. VCF-style: chr18-33731999-C-A. GRCh37 (hg19) VCF-style: chr18-31311963-C-A.
Other names: short protein forms T304N.
Identifiers: ClinVar variation 3252600 (VCV003252600.1), dbSNP rs1225332574.